The following is an entry in ClinVar:

ClinVar aggregate classification (germline): Uncertain significance. Review status: criteria provided, multiple submitters, no conflicts (2 of 4 stars). 4 submissions from 3 submitters: Uncertain significance (4). Last evaluated 2023-11-04.

Conditions:
Retinitis pigmentosa (RP). Identifiers: Orphanet 791, MedGen C0035334, MeSH D012174, MONDO:0019200, OMIM 268000. Inheritance: Autosomal dominant, autosomal recessive and X linked inheritance.
Usher syndrome type 2A. Also called: RETINAL DISEASE IN USHER SYNDROME TYPE IIA, MODIFIER OF; USHER SYNDROME, TYPE IIA. Identifiers: Orphanet 231178, Orphanet 886, MedGen C1848634, MONDO:0010169, OMIM 276901.
Retinitis pigmentosa 39 (RP39). Identifiers: Orphanet 791, MedGen C3151138, MONDO:0013436, OMIM 613809.

Allele frequency attached by ClinVar (database versions not stated): gnomAD exomes below 0.00001 and 0.00001; ExAC 0.00001; gnomAD 0.00001; TOPMed 0.00001; ESP Exome Variant Server 0.00008.
gnomAD v4.1: 13 of 1,613,996 alleles (0.00081%); highest among the groups gnomAD compares: Non-Finnish European, 0.001%; no homozygotes.

Submissions (4):

Genome-Nilou Lab
Classification: Uncertain significance for Retinitis pigmentosa 39. Last evaluated: 2023-11-04. Review status: criteria provided, single submitter. Criteria: ACMG Guidelines, 2015. Collection method: clinical testing. Allele origin: germline. Affected: no.

Genome-Nilou Lab
Classification: Uncertain significance for Usher syndrome type 2A. Last evaluated: 2023-11-04. Review status: criteria provided, single submitter. Criteria: ACMG Guidelines, 2015. Collection method: clinical testing. Allele origin: germline. Affected: no.

Labcorp Genetics (formerly Invitae), Labcorp
Classification: Uncertain significance. Last evaluated: 2023-01-27. Review status: criteria provided, single submitter. Criteria: Invitae Variant Classification Sherloc (09022015). Collection method: clinical testing. Allele origin: germline.
Comment: This variant disrupts the p.Leu5063 amino acid residue in USH2A. Other variant(s) that disrupt this residue have been determined to be pathogenic (PMID: 24227914). This suggests that this residue is clinically significant, and that variants that disrupt this residue are likely to be disease-causing. This sequence change replaces leucine, which is neutral and non-polar, with proline, which is neutral and non-polar, at codon 5063 of the USH2A protein (p.Leu5063Pro). This variant is not present in population databases (gnomAD no frequency). This missense change has been observed in individual(s) with retinitis pigmentosa (Invitae). ClinVar contains an entry for this variant (Variation ID: 1297131). Advanced modeling of protein sequence and biophysical properties (such as structural, functional, and spatial information, amino acid conservation, physicochemical variation, residue mobility, and thermodynamic stability) has been performed at Invitae for this missense variant, however the output from this modeling did not meet the statistical confidence thresholds required to predict the impact of this variant on USH2A protein function. In summary, the available evidence is currently insufficient to determine the role of this variant in disease. Therefore, it has been classified as a Variant of Uncertain Significance.

Broad Center for Mendelian Genomics, Broad Institute of MIT and Harvard
Classification: Uncertain significance for Retinitis pigmentosa. Last evaluated: 2021-04-01. Review status: criteria provided, single submitter. Criteria: ACMG Guidelines, 2015. Collection method: curation. Allele origin: germline. Inheritance: Autosomal recessive inheritance. Affected: yes.
Comment: Through a review of available evidence we were able to apply the following criteria: PM2, PP3. Based on this evidence we have classified this variant as a Variant of Uncertain Significance. If you have any questions about the classification please reach out to the Pierce Lab.

Literature cited by the submitters: PubMed 24227914 (cited by Labcorp Genetics (formerly Invitae), Labcorp); PubMed 34906470 (cited by Broad Center for Mendelian Genomics, Broad Institute of MIT and Harvard).

NM_206933.4(USH2A):c.15188T>C (p.Leu5063Pro)

Gene: USH2A (usherin; minus strand). Cytogenetic location: 1q41.
Variant type: single nucleotide variant.
Coding change: c.15188T>C on transcript NM_206933.4 (MANE Select); coding-DNA position 15188, T replaced by C.
Protein change: p.Leu5063Pro; replaces leucine 5063 with proline.
Molecular consequence: missense variant.
Genome position (GRCh38, 1-based): chr1:215,634,568, A>G on the plus strand (T>C on the coding strand, the complement: USH2A is on the minus strand). VCF-style: chr1-215634568-A-G. GRCh37 (hg19) VCF-style: chr1-215807910-A-G.
Other names: short protein forms L5063P.
Identifiers: ClinVar variation 1297131 (VCV001297131.6), dbSNP rs376816523, ClinGen allele CA1392769.
Genomic context (GRCh38, chr1:215,634,568, plus strand): 5'-TGAAGAGGTACCAAGGGAGGTCTTTCTCTGATATATGGCTCTTTGTGGATTTTTCTTTGT[A>G]GTATCAGGGACAGAAAAATGGCCAACAAGATCAAGCCCAGCATCGCCATTAACACTATGA-3'
Protein context (NP_996816.3, residues 5053-5073): ILLAIFLSLI[Leu5063Pro]QRKIHKEPYI